The following is an entry in ClinVar:

NM_000038.6(APC):c.465A>G (p.Lys155=)

Gene: APC (APC regulator of Wnt signaling pathway; plus strand). Cytogenetic location: 5q22.2.
Variant type: single nucleotide variant.
Coding change: c.465A>G on transcript NM_000038.6 (MANE Select); coding-DNA position 465, A replaced by G.
Protein change: p.Lys155=; no amino-acid change (lysine 155 retained).
Molecular consequence: synonymous variant. On other transcripts: 5 prime UTR variant (1).
Genome position (GRCh38, 1-based): chr5:112,775,671, A>G. VCF-style: chr5-112775671-A-G. GRCh37 (hg19) VCF-style: chr5-112111368-A-G.
Other names: c.465A>G, p.Lys155= (NM_001127510.3, NM_001354895.2, NM_001354896.2 and 2 more transcripts); c.495A>G, p.Lys165= (NM_001127511.3, NM_001354897.2, NM_001354902.2); c.390A>G, p.Lys130= (NM_001354898.2, NM_001354904.2); c.288A>G, p.Lys96= (NM_001354900.2, NM_001354901.2, NM_001354905.2); c.-571A>G (NM_001354906.2).
Identifiers: ClinVar variation 392037 (VCV000392037.21), dbSNP rs778691867, ClinGen allele CA039516.
Genomic context (GRCh38, chr5:112,775,671, plus strand): 5'-TTAAAAAAAAAAAAATAGGTCATTGCTTCTTGCTGATCTTGACAAAGAAGAAAAGGAAAA[A>G]GACTGGTATTACGCTCAACTTCAGAATCTCACTAAAAGAATAGATAGTCTTCCTTTAACT-3'
Protein context (NP_000029.2, residues 145-165): LADLDKEEKE[Lys155=]DWYYAQLQNL

ClinVar aggregate classification (germline): Benign/Likely benign. Review status: criteria provided, multiple submitters, no conflicts (2 of 4 stars). 6 submissions from 6 submitters: Benign (1); Likely benign (5). Last evaluated 2026-01-26.

Conditions:
Hereditary cancer-predisposing syndrome. Also called: Neoplastic Syndromes, Hereditary; Hereditary Cancer Syndrome; Tumor predisposition; Hereditary neoplastic syndrome. Identifiers: Orphanet 140162, MedGen C0027672, MeSH D009386, MONDO:0015356.
Classic or attenuated familial adenomatous polyposis. Identifiers: MedGen CN372698, MONDO:0021057.
Familial adenomatous polyposis 1 (FAP1). Also called: FAMILIAL ADENOMATOUS POLYPOSIS 1, ATTENUATED; POLYPOSIS, ADENOMATOUS INTESTINAL. Identifiers: MedGen C2713442, MONDO:0021056, OMIM 175100. Disease mechanism: loss of function.

Allele frequency attached by ClinVar (database versions not stated): gnomAD 0.00001; gnomAD exomes 0.00001 and 0.00004; TOPMed 0.00002; ExAC 0.00003.
gnomAD v4.1: 12 of 1,609,080 alleles (0.00075%); highest among the groups gnomAD compares: East Asian, 0.027%; no homozygotes.

Submissions (6):

Labcorp Genetics (formerly Invitae), Labcorp
Classification: Likely benign for Familial adenomatous polyposis 1. Last evaluated: 2026-01-26. Review status: criteria provided, single submitter. Criteria: Invitae Variant Classification Sherloc (09022015). Collection method: clinical testing. Allele origin: germline.

All of Us Research Program, National Institutes of Health
Classification: Likely benign for Classic or attenuated familial adenomatous polyposis. Last evaluated: 2024-04-16. Review status: criteria provided, single submitter. Criteria: ACMG Guidelines, 2015. Collection method: clinical testing. Allele origin: germline. Inheritance: Autosomal dominant inheritance. Observed: 2 variant alleles, 2 heterozygotes.
Comment: This study involves interpretation of variants in research participants for the purpose of population health screening. Participant phenotype was not available at the time of variant classification. Additional details can be found in publication PMID: 35346344, PMCID: PMC8962531

Myriad Genetics, Inc.
Classification: Benign for Familial adenomatous polyposis 1. Last evaluated: 2024-02-23. Review status: criteria provided, single submitter. Criteria: Myriad Autosomal Dominant, Autosomal Recessive and X-Linked Classification Criteria (2023). Collection method: clinical testing. Allele origin: unknown.
Comment: This variant is considered benign. This variant is a silent/synonymous amino acid change and it is not expected to impact splicing.

Ambry Genetics
Classification: Likely benign for Hereditary cancer-predisposing syndrome. Last evaluated: 2020-03-05. Review status: criteria provided, single submitter. Criteria: Ambry Variant Classification Scheme 2023. Collection method: clinical testing. Allele origin: germline.

GeneDx
Classification: Likely benign. Last evaluated: 2020-01-25. Review status: criteria provided, single submitter. Criteria: GeneDx Variant Classification Process June 2021. Collection method: clinical testing. Allele origin: germline. Affected: yes.
Comment: This variant is associated with the following publications: (PMID: 27908614, 26900293, 27028212)

Color Diagnostics, LLC DBA Color Health
Classification: Likely benign for Hereditary cancer-predisposing syndrome. Last evaluated: 2017-12-11. Review status: criteria provided, single submitter. Criteria: ACMG Guidelines, 2015. Collection method: clinical testing. Allele origin: germline.